The following is an entry in ClinVar:

ClinVar aggregate classification (germline): Likely benign. Review status: reviewed by expert panel (3 of 4 stars). 3 submissions from 3 submitters: Likely benign (1). 2 of the submissions do not count toward it. Last evaluated 2024-07-11.

Conditions:
Hereditary thrombocytopenia and hematological cancer predisposition syndrome associated with RUNX1. Also called: Familial Platelet Disorder with Propensity to Acute Myelogenous Leukemia; Familial thrombocytopenia with propensity to acute myelogenous leukemia; PLATELET DISORDER, ASPIRIN-LIKE; RUNX1 Familial Platelet Disorder with Associated Myeloid Malignancies. Identifiers: Orphanet 71290, MedGen C1832388, MeSH C563324, MONDO:0100083, OMIM 601399.
Hereditary thrombocytopenia and hematologic cancer predisposition syndrome. Identifiers: Orphanet 71290, MedGen CN281654, MONDO:0011071.
Inborn genetic diseases. Identifiers: MedGen C0950123, MeSH D030342.

gnomAD v4.1: 3 of 1,570,892 alleles (0.00019%); no homozygotes.

Submissions (3):

ClinGen Myeloid Malignancy Variant Curation Expert Panel
Classification: Likely benign for Hereditary thrombocytopenia and hematologic cancer predisposition syndrome. Last evaluated: 2024-07-11. Review status: reviewed by expert panel. Criteria: ClinGen MyeloMalig ACMG Specifications v2. Collection method: curation. Allele origin: germline. Inheritance: Autosomal dominant inheritance.
Comment: NM_001754.5(RUNX1): c.1158C>T (p.Pro386=) is a synonymous variant; therefore, no REVEL score is applicable. SpliceAI score is ≤ 0.20 (0.00) (BP4). Evolutionary conservation algorithms predict the site as not being conserved (PhyloP score -4.82834 < 2.0), or the variant is the reference nucleotide in one primate and/or three mammal species (BP7). In summary, this variant meets criteria to be classified as likely benign. ACMG/AMP criteria applied, as specified by the Myeloid Malignancy Variant Curation Expert Panel for RUNX1: BP4, BP7.

Labcorp Genetics (formerly Invitae), Labcorp
Classification: Likely benign for Hereditary thrombocytopenia and hematological cancer predisposition syndrome associated with RUNX1. Last evaluated: 2025-11-24. Review status: criteria provided, single submitter. Criteria: Invitae Variant Classification Sherloc (09022015). Collection method: clinical testing. Allele origin: germline. Not counted in ClinVar's aggregate classification.

Ambry Genetics
Classification: Likely benign for Inborn genetic diseases. Last evaluated: 2025-04-24. Review status: criteria provided, single submitter. Criteria: Ambry Variant Classification Scheme 2023. Collection method: clinical testing. Allele origin: germline. Not counted in ClinVar's aggregate classification.

NM_001754.5(RUNX1):c.1158C>T (p.Pro386=)

Gene: RUNX1 (RUNX family transcription factor 1; minus strand). Cytogenetic location: 21q22.12.
Variant type: single nucleotide variant.
Coding change: c.1158C>T on transcript NM_001754.5 (MANE Select); coding-DNA position 1158, C replaced by T.
Protein change: p.Pro386=; no amino-acid change (proline 386 retained).
Molecular consequence: synonymous variant.
Genome position (GRCh38, 1-based): chr21:34,792,420, G>A on the plus strand (C>T on the coding strand, the complement: RUNX1 is on the minus strand). VCF-style: chr21-34792420-G-A. GRCh37 (hg19) VCF-style: chr21-36164717-G-A.
Other names: NM_001754.5(RUNX1):c.1158C>T; p.Pro386=; c.1158C>T (NM_001754.4); c.1077C>T, p.Pro359= (NM_001001890.3).
Identifiers: ClinVar variation 1150152 (VCV001150152.11), dbSNP rs1317733811, ClinGen allele CA512341264.